The following is an entry in ClinVar:

ClinVar aggregate classification (germline): Uncertain significance (1 of 4 stars; one submission).

Submission:

Labcorp Genetics (formerly Invitae), Labcorp
Classification: Uncertain significance. Last evaluated: 2022-11-22. Review status: criteria provided, single submitter. Criteria: Invitae Variant Classification Sherloc (09022015). Collection method: clinical testing. Allele origin: germline.
Comment: This sequence change replaces glutamic acid, which is acidic and polar, with glycine, which is neutral and non-polar, at codon 779 of the CACNA1F protein (p.Glu779Gly). This variant is not present in population databases (gnomAD no frequency). This variant has not been reported in the literature in individuals affected with CACNA1F-related conditions. ClinVar contains an entry for this variant (Variation ID: 1385651). Advanced modeling of protein sequence and biophysical properties (such as structural, functional, and spatial information, amino acid conservation, physicochemical variation, residue mobility, and thermodynamic stability) performed at Invitae indicates that this missense variant is not expected to disrupt CACNA1F protein function. In summary, the available evidence is currently insufficient to determine the role of this variant in disease. Therefore, it has been classified as a Variant of Uncertain Significance.

NM_001256789.3(CACNA1F):c.2303A>G (p.Glu768Gly)

Gene: CACNA1F (calcium voltage-gated channel subunit alpha1 F; minus strand). Cytogenetic location: Xp11.23.
Variant type: single nucleotide variant.
Coding change: c.2303A>G on transcript NM_001256789.3 (MANE Select); coding-DNA position 2303, A replaced by G.
Protein change: p.Glu768Gly; replaces glutamic acid 768 with glycine.
Molecular consequence: missense variant.
Genome position (GRCh38, 1-based): chrX:49,221,066, T>C on the plus strand (A>G on the coding strand, the complement: CACNA1F is on the minus strand). VCF-style: chrX-49221066-T-C. GRCh37 (hg19) VCF-style: chrX-49077525-T-C.
Other names: c.2141A>G, p.Glu714Gly (NM_001256790.3); c.2336A>G, p.Glu779Gly (NM_005183.4); short protein forms E714G, E779G, E768G.
Identifiers: ClinVar variation 1385651 (VCV001385651.8), dbSNP rs2147911776, ClinGen allele CA412908950.
Genomic context (GRCh38, chrX:49,221,066, plus strand): 5'-TGTAGACAGTGCCCAGGCATCTAACTCACCAGGCCTTCATTCTCCTGTGGGAGATCCTTC[T>C]CATTGCTCTTCTCCCTGTGCGAGGAAATAGGGGTGATTGCTGCAGATGGGCTAAGGGAGA-3'
Protein context (NP_001243718.1, residues 758-778): AKDKGGEKSN[Glu768Gly]KDLPQENEGL